The following is an entry in ClinVar:

NM_000540.3(RYR1):c.2791_2792del (p.Leu931fs)

Gene: RYR1 (ryanodine receptor 1; plus strand). Cytogenetic location: 19q13.2.
Variant type: Microsatellite.
Coding change: c.2791_2792del on transcript NM_000540.3 (MANE Select); coding-DNA positions 2791 to 2792, 2 bases deleted (CT; older notation c.2791_2792delCT).
Protein change: p.Leu931fs; shifts the reading frame from leucine 931.
Molecular consequence: frameshift variant.
Genome position (GRCh38, 1-based): chr19:38,464,643-38,464,644, CT deleted; deleting any 2 consecutive bases within chr19:38,464,641-38,464,644 gives the same sequence; the c. name uses the placement nearest the transcript's 3' end. VCF-style (leftmost placement, unchanged base first): chr19-38464640-ACT-A. GRCh37 (hg19) VCF-style: chr19-38955280-ACT-A.
Other names: c.2791_2792del, p.Leu931fs (NM_001042723.2); short protein forms L931fs.
Identifiers: ClinVar variation 1902526 (VCV001902526.5), dbSNP rs2514083605, ClinGen allele CA2580612603.

ClinVar aggregate classification (germline): Pathogenic (1 of 4 stars; one submission).

Conditions:
RYR1-related disorder. Also called: RYR1-related condition; RYR1-related disorders. Identifiers: MedGen CN239331.

Submission:

Labcorp Genetics (formerly Invitae), Labcorp
Classification: Pathogenic for RYR1-related disorder. Last evaluated: 2022-05-07. Review status: criteria provided, single submitter. Criteria: Invitae Variant Classification Sherloc (09022015). Collection method: clinical testing. Allele origin: germline.
Comment: This variant is not present in population databases (gnomAD no frequency). For these reasons, this variant has been classified as Pathogenic. This variant has not been reported in the literature in individuals affected with RYR1-related conditions. This sequence change creates a premature translational stop signal (p.Leu931Alafs*12) in the RYR1 gene. It is expected to result in an absent or disrupted protein product. Loss-of-function variants in RYR1 are known to be pathogenic (PMID: 20583297, 20839240, 23919265, 28818389).

Literature cited by the submitters: PubMed 20583297; PubMed 20839240; PubMed 23919265; PubMed 28818389.